The following is an entry in ClinVar:

ClinVar aggregate classification (germline): Uncertain significance. Review status: criteria provided, multiple submitters, no conflicts (2 of 4 stars). 3 submissions from 3 submitters: Uncertain significance (3). Last evaluated 2026-05-01.

Conditions:
Inborn genetic diseases. Identifiers: MedGen C0950123, MeSH D030342.

Allele frequency attached by ClinVar (database versions not stated): gnomAD exomes below 0.00001.
gnomAD v4.1: 2 of 1,613,224 alleles (0.00012%); highest among the groups gnomAD compares: African/African-American, 0.0013%; no homozygotes.

Submissions (3):

Ambry Genetics
Classification: Uncertain significance for Inborn genetic diseases. Last evaluated: 2026-05-01. Review status: criteria provided, single submitter. Criteria: Ambry Variant Classification Scheme 2023. Collection method: clinical testing. Allele origin: germline.

Labcorp Genetics (formerly Invitae), Labcorp
Classification: Uncertain significance. Last evaluated: 2023-09-27. Review status: criteria provided, single submitter. Criteria: Invitae Variant Classification Sherloc (09022015). Collection method: clinical testing. Allele origin: germline.
Comment: ClinVar contains an entry for this variant (Variation ID: 1710441). In summary, the available evidence is currently insufficient to determine the role of this variant in disease. Therefore, it has been classified as a Variant of Uncertain Significance. Algorithms developed to predict the effect of missense changes on protein structure and function output the following: SIFT: "Not Available"; PolyPhen-2: "Benign"; Align-GVGD: "Not Available". The arginine amino acid residue is found in multiple mammalian species, which suggests that this missense change does not adversely affect protein function. This variant has not been reported in the literature in individuals affected with KMT2A-related conditions. This variant is not present in population databases (gnomAD no frequency). This sequence change replaces lysine, which is basic and polar, with arginine, which is basic and polar, at codon 1050 of the KMT2A protein (p.Lys1050Arg).

Greenwood Genetic Center Diagnostic Laboratories, Greenwood Genetic Center
Classification: Uncertain significance. Last evaluated: 2022-07-19. Review status: criteria provided, single submitter. Criteria: ACMG Guidelines, 2015. Collection method: clinical testing. Allele origin: germline. Affected: yes.
Comment: PM2

NM_001197104.2(KMT2A):c.3149A>G (p.Lys1050Arg)

Gene: KMT2A (lysine methyltransferase 2A; plus strand). Cytogenetic location: 11q23.3.
Variant type: single nucleotide variant.
Coding change: c.3149A>G on transcript NM_001197104.2 (MANE Select); coding-DNA position 3149, A replaced by G.
Protein change: p.Lys1050Arg; replaces lysine 1050 with arginine.
Molecular consequence: missense variant.
Genome position (GRCh38, 1-based): chr11:118,474,308, A>G. VCF-style: chr11-118474308-A-G. GRCh37 (hg19) VCF-style: chr11-118345023-A-G.
Other names: c.3248A>G, p.Lys1083Arg (NM_001412597.1); c.3149A>G, p.Lys1050Arg (NM_005933.4); short protein forms K1050R, K1083R.
Identifiers: ClinVar variation 1710441 (VCV001710441.7), dbSNP rs2496819054, ClinGen allele CA382820269.